The following is an entry in ClinVar:

NM_201596.3(CACNB2):c.1570C>T (p.Pro524Ser)

Gene: CACNB2 (calcium voltage-gated channel auxiliary subunit beta 2; plus strand). Cytogenetic location: 10p12.31.
Variant type: single nucleotide variant.
Coding change: c.1570C>T on transcript NM_201596.3 (MANE Select); coding-DNA position 1570, C replaced by T.
Protein change: p.Pro524Ser; replaces proline 524 with serine.
Molecular consequence: missense variant.
Genome position (GRCh38, 1-based): chr10:18,539,311, C>T. VCF-style: chr10-18539311-C-T. GRCh37 (hg19) VCF-style: chr10-18828240-C-T.
Other names: c.1405C>T, p.Pro469Ser (NM_000724.4); c.1372C>T, p.Pro458Ser (NM_001167945.2); c.1291C>T, p.Pro431Ser (NM_001330060.2); c.1426C>T, p.Pro476Ser (NM_201570.3); c.1486C>T, p.Pro496Ser (NM_201571.4); c.1414C>T, p.Pro472Ser (NM_201572.4); c.1408C>T, p.Pro470Ser (NM_201590.3); c.1456C>T, p.Pro486Ser (NM_201593.3); and 1 more; short protein forms P431S, P476S, P486S, P470S, P524S, P458S, P472S, P469S.
Identifiers: ClinVar variation 965393 (VCV000965393.10), dbSNP rs1349921106, ClinGen allele CA376071345.

ClinVar aggregate classification (germline): Uncertain significance. Review status: criteria provided, multiple submitters, no conflicts (2 of 4 stars). 2 submissions from 2 submitters: Uncertain significance (2). Last evaluated 2026-03-09.

Conditions:
Brugada syndrome 4 (BRGDA4). Identifiers: Orphanet 130, MedGen C2678477, MONDO:0012743, OMIM 611876.
Cardiovascular phenotype. Identifiers: MedGen CN230736.

gnomAD v4.1: 3 of 1,613,954 alleles (0.00019%); highest among the groups gnomAD compares: Non-Finnish European, 0.00025%; no homozygotes.

Submissions (2):

Ambry Genetics
Classification: Uncertain significance for Cardiovascular phenotype. Last evaluated: 2026-03-09. Review status: criteria provided, single submitter. Criteria: Ambry Variant Classification Scheme 2023. Collection method: clinical testing. Allele origin: germline.
Comment: The p.P470S variant (also known as c.1408C>T), located in coding exon 13 of the CACNB2 gene, results from a C to T substitution at nucleotide position 1408. The proline at codon 470 is replaced by serine, an amino acid with similar properties. This amino acid position is conserved. In addition, this alteration is predicted to be tolerated by in silico analysis. Based on the available evidence, the clinical significance of this variant remains unclear.

Labcorp Genetics (formerly Invitae), Labcorp
Classification: Uncertain significance for Brugada syndrome 4. Last evaluated: 2024-01-08. Review status: criteria provided, single submitter. Criteria: Invitae Variant Classification Sherloc (09022015). Collection method: clinical testing. Allele origin: germline.
Comment: This sequence change replaces proline, which is neutral and non-polar, with serine, which is neutral and polar, at codon 470 of the CACNB2 protein (p.Pro470Ser). This variant is not present in population databases (gnomAD no frequency). This variant has not been reported in the literature in individuals affected with CACNB2-related conditions. ClinVar contains an entry for this variant (Variation ID: 965393). Advanced modeling of protein sequence and biophysical properties (such as structural, functional, and spatial information, amino acid conservation, physicochemical variation, residue mobility, and thermodynamic stability) performed at Invitae indicates that this missense variant is not expected to disrupt CACNB2 protein function with a negative predictive value of 80%. In summary, the available evidence is currently insufficient to determine the role of this variant in disease. Therefore, it has been classified as a Variant of Uncertain Significance.